The following is an entry in ClinVar:

NM_000313.4(PROS1):c.1870+1G>A

Gene: PROS1 (protein S; minus strand). Cytogenetic location: 3q11.1.
Variant type: single nucleotide variant.
Coding change: c.1870+1G>A on transcript NM_000313.4 (MANE Select); the canonical splice donor site of the intron after coding-DNA position 1870, G replaced by A.
Molecular consequence: splice donor variant.
Genome position (GRCh38, 1-based): chr3:93,876,965, C>T on the plus strand (G>A on the coding strand, the complement: PROS1 is on the minus strand). VCF-style: chr3-93876965-C-T. GRCh37 (hg19) VCF-style: chr3-93595809-C-T.
Other names: c.1966+1G>A (NM_001314077.2).
Identifiers: ClinVar variation 3380971 (VCV003380971.1).

ClinVar aggregate classification (germline): Pathogenic (1 of 4 stars; one submission).

Submission:

Mayo Clinic Laboratories, Mayo Clinic
Classification: Pathogenic. Last evaluated: 2023-07-20. Review status: criteria provided, single submitter. Criteria: ACMG Guidelines, 2015. Collection method: clinical testing. Allele origin: germline. Observed: 1 variant allele.
Comment: PM2_moderate, PS3, PS4_moderate, PVS1_strong

Literature cited by the submitters: PubMed 12681974; PubMed 15712227; PubMed 18954896.